The following is an entry in ClinVar:

NM_002470.4(MYH3):c.4862G>A (p.Gly1621Glu)

Gene: MYH3 (myosin heavy chain 3; minus strand). Cytogenetic location: 17p13.1.
Variant type: single nucleotide variant.
Coding change: c.4862G>A on transcript NM_002470.4 (MANE Select); coding-DNA position 4862, G replaced by A.
Protein change: p.Gly1621Glu; replaces glycine 1621 with glutamic acid.
Molecular consequence: missense variant.
Genome position (GRCh38, 1-based): chr17:10,632,570, C>T on the plus strand (G>A on the coding strand, the complement: MYH3 is on the minus strand). VCF-style: chr17-10632570-C-T. GRCh37 (hg19) VCF-style: chr17-10535887-C-T.
Other names: short protein forms G1621E.
Identifiers: ClinVar variation 1510538 (VCV001510538.8), dbSNP rs2074173878, ClinGen allele CA398136591.

ClinVar aggregate classification (germline): Uncertain significance (1 of 4 stars; one submission).

Submission:

Labcorp Genetics (formerly Invitae), Labcorp
Classification: Uncertain significance. Last evaluated: 2022-09-07. Review status: criteria provided, single submitter. Criteria: Invitae Variant Classification Sherloc (09022015). Collection method: clinical testing. Allele origin: germline.
Comment: This sequence change replaces glycine, which is neutral and non-polar, with glutamic acid, which is acidic and polar, at codon 1621 of the MYH3 protein (p.Gly1621Glu). This variant is not present in population databases (gnomAD no frequency). This variant has not been reported in the literature in individuals affected with MYH3-related conditions. ClinVar contains an entry for this variant (Variation ID: 1510538). Algorithms developed to predict the effect of missense changes on protein structure and function (SIFT, PolyPhen-2, Align-GVGD) all suggest that this variant is likely to be disruptive. In summary, the available evidence is currently insufficient to determine the role of this variant in disease. Therefore, it has been classified as a Variant of Uncertain Significance.